The following is an entry in ClinVar:

ClinVar aggregate classification (germline): Uncertain significance (1 of 4 stars; one submission).

Conditions:
Ullrich congenital muscular dystrophy 2 (UCMD2). Identifiers: Orphanet 75840, MedGen C4225314, MONDO:0014654, OMIM 616470.
Bethlem myopathy 2 (BTHLM2). Identifiers: Orphanet 536516, Orphanet 610, MedGen C4225313, MONDO:0034022, OMIM 616471.

Submission:

Labcorp Genetics (formerly Invitae), Labcorp
Classification: Uncertain significance for Bethlem myopathy 2; Ullrich congenital muscular dystrophy 2. Last evaluated: 2024-07-15. Review status: criteria provided, single submitter. Criteria: Invitae Variant Classification Sherloc (09022015). Collection method: clinical testing. Allele origin: germline.
Comment: This sequence change replaces asparagine, which is neutral and polar, with tyrosine, which is neutral and polar, at codon 1268 of the COL12A1 protein (p.Asn1268Tyr). This variant is not present in population databases (gnomAD no frequency). This variant has not been reported in the literature in individuals affected with COL12A1-related conditions. Advanced modeling of protein sequence and biophysical properties (such as structural, functional, and spatial information, amino acid conservation, physicochemical variation, residue mobility, and thermodynamic stability) performed at Invitae indicates that this missense variant is not expected to disrupt COL12A1 protein function with a negative predictive value of 80%. In summary, the available evidence is currently insufficient to determine the role of this variant in disease. Therefore, it has been classified as a Variant of Uncertain Significance.

NM_004370.6(COL12A1):c.3802A>T (p.Asn1268Tyr)

Gene: COL12A1 (collagen type XII alpha 1 chain; minus strand). Cytogenetic location: 6q13.
Variant type: single nucleotide variant.
Coding change: c.3802A>T on transcript NM_004370.6 (MANE Select); coding-DNA position 3802, A replaced by T.
Protein change: p.Asn1268Tyr; replaces asparagine 1268 with tyrosine.
Molecular consequence: missense variant.
Genome position (GRCh38, 1-based): chr6:75,152,164, T>A on the plus strand (A>T on the coding strand, the complement: COL12A1 is on the minus strand). VCF-style: chr6-75152164-T-A. GRCh37 (hg19) VCF-style: chr6-75861880-T-A.
Other names: c.3802A>T, p.Asn1268Tyr (NM_001424113.1, NM_001424114.1); c.3529A>T, p.Asn1177Tyr (NM_001424115.1); c.310A>T, p.Asn104Tyr (NM_001424116.1, NM_080645.3); short protein forms N104Y, N1177Y, N1268Y.
Identifiers: ClinVar variation 3755978 (VCV003755978.2).
Genomic context (GRCh38, chr6:75,152,164, plus strand): 5'-AAAGACTGTCAGACAGTCCTTACTCACCTGTGAGAGTATTGCCTCCTTTGTACGGCAAGT[T>A]TGCCACAGCTTGCAACAAGCTCTTCTTGTCTCTGTGTGCATTTAACTGCCACTCTGTTCT-3'
Protein context (NP_004361.3, residues 1258-1278): DKKSLLQAVA[Asn1268Tyr]LPYKGGNTLT